The following is an entry in ClinVar:

ClinVar aggregate classification (germline): Uncertain significance (1 of 4 stars; one submission).

Conditions:
Hereditary spastic paraplegia 49 (HSAN9). Also called: Spastic paraplegia 49, autosomal recessive; NEUROPATHY, HEREDITARY SENSORY AND AUTONOMIC, TYPE IX, WITH DEVELOPMENTAL DELAY; TECPR2-Related Hereditary Sensory and Autonomic Neuropathy with Intellectual Disability. Identifiers: Orphanet 320385, MedGen C5190860, MONDO:0014016, OMIM 615031.

Submission:

Labcorp Genetics (formerly Invitae), Labcorp
Classification: Uncertain significance for Hereditary spastic paraplegia 49. Last evaluated: 2020-12-14. Review status: criteria provided, single submitter. Criteria: Invitae Variant Classification Sherloc (09022015). Collection method: clinical testing. Allele origin: germline.
Comment: This sequence change replaces glycine with aspartic acid at codon 1235 of the TECPR2 protein (p.Gly1235Asp). The glycine residue is highly conserved and there is a moderate physicochemical difference between glycine and aspartic acid. This variant is not present in population databases (ExAC no frequency). This variant has not been reported in the literature in individuals with TECPR2-related conditions. Algorithms developed to predict the effect of missense changes on protein structure and function are either unavailable or do not agree on the potential impact of this missense change (SIFT: "Deleterious"; PolyPhen-2: "Probably Damaging"; Align-GVGD: "Class C0"). In summary, the available evidence is currently insufficient to determine the role of this variant in disease. Therefore, it has been classified as a Variant of Uncertain Significance.

NM_014844.5(TECPR2):c.3704G>A (p.Gly1235Asp)

Gene: TECPR2 (tectonin beta-propeller repeat containing 2; plus strand). Cytogenetic location: 14q32.31.
Variant type: single nucleotide variant.
Coding change: c.3704G>A on transcript NM_014844.5 (MANE Select); coding-DNA position 3704, G replaced by A.
Protein change: p.Gly1235Asp; replaces glycine 1235 with aspartic acid.
Molecular consequence: missense variant.
Genome position (GRCh38, 1-based): chr14:102,465,204, G>A. VCF-style: chr14-102465204-G-A. GRCh37 (hg19) VCF-style: chr14-102931541-G-A.
Other names: c.3704G>A, p.Gly1235Asp (NM_001172631.3); short protein forms G1235D.
Identifiers: ClinVar variation 1000200 (VCV001000200.9), dbSNP rs1890527067, ClinGen allele CA391069256.